The following is an entry in ClinVar:

NM_005560.6(LAMA5):c.4316G>A (p.Gly1439Asp)

Gene: LAMA5 (laminin subunit alpha 5; minus strand). Cytogenetic location: 20q13.33.
Variant type: single nucleotide variant.
Coding change: c.4316G>A on transcript NM_005560.6 (MANE Select); coding-DNA position 4316, G replaced by A.
Protein change: p.Gly1439Asp; replaces glycine 1439 with aspartic acid.
Molecular consequence: missense variant.
Genome position (GRCh38, 1-based): chr20:62,328,975, C>T on the plus strand (G>A on the coding strand, the complement: LAMA5 is on the minus strand). VCF-style: chr20-62328975-C-T. GRCh37 (hg19) VCF-style: chr20-60904031-C-T.
Other names: short protein forms G1439D.
Identifiers: ClinVar variation 2069787 (VCV002069787.26), dbSNP rs144368979, ClinGen allele CA9942642.

ClinVar aggregate classification (germline): Conflicting classifications of pathogenicity. Review status: criteria provided, conflicting classifications (1 of 4 stars). 2 submissions from 2 submitters: Uncertain significance (1); Likely benign (1). Last evaluated 2022-06-01.

Allele frequency attached by ClinVar (database versions not stated): TOPMed 0.00037; ESP Exome Variant Server 0.00038; gnomAD 0.00038; ExAC 0.00070.
gnomAD v4.1: 858 of 1,612,356 alleles (0.053%); highest among the groups gnomAD compares: Non-Finnish European, 0.066%; 2 homozygotes.

Submissions (2):

CeGaT Center for Human Genetics Tuebingen
Classification: Likely benign. Last evaluated: 2022-06-01. Review status: criteria provided, single submitter. Criteria: CeGaT Center For Human Genetics Tuebingen Variant Classification Criteria Version 2. Collection method: clinical testing. Allele origin: germline. Affected: yes. Observed: 1 variant allele.
Comment: LAMA5: BP4

Labcorp Genetics (formerly Invitae), Labcorp
Classification: Uncertain significance. Last evaluated: 2022-05-04. Review status: criteria provided, single submitter. Criteria: Invitae Variant Classification Sherloc (09022015). Collection method: clinical testing. Allele origin: germline.
Comment: In summary, the available evidence is currently insufficient to determine the role of this variant in disease. Therefore, it has been classified as a Variant of Uncertain Significance. Algorithms developed to predict the effect of missense changes on protein structure and function (SIFT, PolyPhen-2, Align-GVGD) all suggest that this variant is likely to be tolerated. This variant has not been reported in the literature in individuals affected with LAMA5-related conditions. This variant is present in population databases (rs144368979, gnomAD 0.09%), and has an allele count higher than expected for a pathogenic variant. This sequence change replaces glycine, which is neutral and non-polar, with aspartic acid, which is acidic and polar, at codon 1439 of the LAMA5 protein (p.Gly1439Asp).